The following is an entry in ClinVar:

NM_001142864.4(PIEZO1):c.5544C>T (p.Val1848=)

Gene: PIEZO1 (piezo type mechanosensitive ion channel component 1 (Er blood group); minus strand). Cytogenetic location: 16q24.3.
Variant type: single nucleotide variant.
Coding change: c.5544C>T on transcript NM_001142864.4 (MANE Select); coding-DNA position 5544, C replaced by T.
Protein change: p.Val1848=; no amino-acid change (valine 1848 retained).
Molecular consequence: synonymous variant.
Genome position (GRCh38, 1-based): chr16:88,721,290, G>A on the plus strand (C>T on the coding strand, the complement: PIEZO1 is on the minus strand). VCF-style: chr16-88721290-G-A. GRCh37 (hg19) VCF-style: chr16-88787698-G-A.
Other names: p.Val1848=.
Identifiers: ClinVar variation 758700 (VCV000758700.7), dbSNP rs189520183, ClinGen allele CA8231854.

ClinVar aggregate classification (germline): Likely benign. Review status: criteria provided, multiple submitters, no conflicts (2 of 4 stars). 4 submissions from 4 submitters: Likely benign (3). 1 of the submissions does not count toward it. Last evaluated 2025-08-27.

Conditions:
PIEZO1-related disorder. Also called: PIEZO1-Related Disorders; PIEZO1-related condition.

Allele frequency attached by ClinVar (database versions not stated): TOPMed 0.00003; gnomAD 0.00004 and 0.00006; gnomAD exomes 0.00004 and 0.00005; ExAC 0.00005; 1000 Genomes Project 30x 0.00016; 1000 Genomes Project 0.00020.
gnomAD v4.1: 66 of 1,545,062 alleles (0.0043%); highest among the groups gnomAD compares: African/African-American, 0.025%; no homozygotes.

Submissions (4):

Mayo Clinic Laboratories, Mayo Clinic
Classification: Likely benign. Last evaluated: 2025-08-27. Review status: criteria provided, single submitter. Criteria: ACMG Guidelines, 2015. Collection method: clinical testing. Allele origin: germline. Observed: 1 variant allele.
Comment: BP4, BP7

Blueprint Genetics
Classification: Likely benign. Last evaluated: 2024-11-01. Review status: criteria provided, single submitter. Criteria: ACMG Guidelines, 2015. Collection method: clinical testing. Allele origin: germline.

Labcorp Genetics (formerly Invitae), Labcorp
Classification: Likely benign. Last evaluated: 2018-07-07. Review status: criteria provided, single submitter. Criteria: Invitae Variant Classification Sherloc (09022015). Collection method: clinical testing. Allele origin: germline.

PreventionGenetics, part of Exact Sciences
Classification: Likely benign for PIEZO1-related condition. Last evaluated: 2019-02-21. Review status: no assertion criteria provided. Collection method: clinical testing. Allele origin: germline. Not counted in ClinVar's aggregate classification.
Comment: This variant is classified as likely benign based on ACMG/AMP sequence variant interpretation guidelines (Richards et al. 2015 PMID: 25741868, with internal and published modifications).